The following is an entry in ClinVar:

ClinVar aggregate classification (germline): Uncertain significance. Review status: criteria provided, multiple submitters, no conflicts (2 of 4 stars). 4 submissions from 4 submitters: Uncertain significance (4). Last evaluated 2024-10-16.

Conditions:
Epilepsy, childhood absence, susceptibility to, 6. Identifiers: Orphanet 64280, MedGen C2749872, MONDO:0012763, OMIM 611942.
Hyperaldosteronism, familial, type IV (HALD4). Also called: FH IV; ALDOSTERONISM, PRIMARY, AND HYPERTENSION. Identifiers: Orphanet 642671, MedGen C4310756, MONDO:0014875, OMIM 617027.
Idiopathic generalized epilepsy. Also called: Generalised epilepsy; EIG. Identifiers: MedGen C0270850, MONDO:0005579, OMIM 600669.
Inborn genetic diseases. Identifiers: MedGen C0950123, MeSH D030342.

Allele frequency attached by ClinVar (database versions not stated): gnomAD 0.00001; TOPMed 0.00001; gnomAD exomes 0.00002.
gnomAD v4.1: 25 of 1,593,064 alleles (0.0016%); highest among the groups gnomAD compares: Middle Eastern, 0.018%; no homozygotes.

Submissions (4):

Labcorp Genetics (formerly Invitae), Labcorp
Classification: Uncertain significance for Idiopathic generalized epilepsy; Hyperaldosteronism, familial, type IV. Last evaluated: 2024-10-16. Review status: criteria provided, single submitter. Criteria: Invitae Variant Classification Sherloc (09022015). Collection method: clinical testing. Allele origin: germline.
Comment: This sequence change replaces arginine, which is basic and polar, with histidine, which is basic and polar, at codon 903 of the CACNA1H protein (p.Arg903His). This variant is not present in population databases (gnomAD no frequency). This variant has not been reported in the literature in individuals affected with CACNA1H-related conditions. ClinVar contains an entry for this variant (Variation ID: 379738). Invitae Evidence Modeling of protein sequence and biophysical properties (such as structural, functional, and spatial information, amino acid conservation, physicochemical variation, residue mobility, and thermodynamic stability) indicates that this missense variant is expected to disrupt CACNA1H protein function with a positive predictive value of 80%. In summary, the available evidence is currently insufficient to determine the role of this variant in disease. Therefore, it has been classified as a Variant of Uncertain Significance.

Fulgent Genetics
Classification: Uncertain significance for Epilepsy, childhood absence, susceptibility to, 6; Hyperaldosteronism, familial, type IV. Last evaluated: 2022-01-18. Review status: criteria provided, single submitter. Criteria: ACMG Guidelines, 2015. Collection method: clinical testing. Allele origin: unknown.

Ambry Genetics
Classification: Uncertain significance for Inborn genetic diseases. Last evaluated: 2021-08-02. Review status: criteria provided, single submitter. Criteria: Ambry Variant Classification Scheme 2023. Collection method: clinical testing. Allele origin: germline.

GeneDx
Classification: Uncertain significance. Last evaluated: 2016-03-09. Review status: criteria provided, single submitter. Criteria: GeneDx Variant Classification (06012015). Collection method: clinical testing. Allele origin: germline. Affected: yes.
Comment: The R903H variant in the CACNA1H gene has not been reported previously as a pathogenic variant, nor as a benign variant, to our knowledge. The R903H variant was not observed in approximately 6400 individuals of European and African American ancestry in the NHLBI Exome Sequencing Project, indicating it is not a common benign variant in these populations. The R903H variant is a conservative amino acid substitution, which is not likely to impact secondary protein structure as these residues share similar properties. This substitution occurs at a position that is conserved across species. In silico analysis predicts this variant is probably damaging to the protein structure/function. We interpret R903H as a variant of uncertain significance.

NM_021098.3(CACNA1H):c.2708G>A (p.Arg903His)

Gene: CACNA1H (calcium voltage-gated channel subunit alpha1 H; plus strand). Cytogenetic location: 16p13.3.
Variant type: single nucleotide variant.
Coding change: c.2708G>A on transcript NM_021098.3 (MANE Select); coding-DNA position 2708, G replaced by A.
Protein change: p.Arg903His; replaces arginine 903 with histidine.
Molecular consequence: missense variant.
Genome position (GRCh38, 1-based): chr16:1,206,208, G>A. VCF-style: chr16-1206208-G-A. GRCh37 (hg19) VCF-style: chr16-1256208-G-A.
Other names: c.2708G>A, p.Arg903His (NM_001005407.2); short protein forms R903H.
Identifiers: ClinVar variation 379738 (VCV000379738.12), dbSNP rs1057520721, ClinGen allele CA16607107.